The following is an entry in ClinVar:

ClinVar aggregate classification (germline): Uncertain significance (1 of 4 stars; one submission).

Conditions:
TRA2B-related disorder.

Submission:

3billion
Classification: Uncertain significance for TRA2B-related disorder. Last evaluated: 2024-12-20. Review status: criteria provided, single submitter. Criteria: ACMG Guidelines, 2015. Collection method: clinical testing. Allele origin: germline. Affected: yes.
Comment: The variant is not observed in the gnomAD v4.1.0 dataset. Predicted Consequence/Location: Canonical splice site: predicted to alter splicing and result in a loss or disruption of normal protein function. In silico tools predict the variant to alter splicing and produce an abnormal transcript [SpliceAI: 0.99 (spliceogenicity >=0.2, non-spliceogenicity <0.1)]. The variant has been reported to be associated with TRA2B related disorder (PMID: 36549593, Decipher: 526869). However, the evidence of pathogenicity is insufficient at this time. Therefore, this variant is classified as VUS according to the recommendation of ACMG/AMP guideline.

NM_004593.3(TRA2B):c.171-2A>G

Gene: TRA2B (transformer 2 beta homolog; minus strand). Cytogenetic location: 3q27.2.
Variant type: single nucleotide variant.
Coding change: c.171-2A>G on transcript NM_004593.3 (MANE Select); the canonical splice acceptor site of the intron before coding-DNA position 171, A replaced by G.
Molecular consequence: splice acceptor variant.
Genome position (GRCh38, 1-based): chr3:185,925,628, T>C on the plus strand (A>G on the coding strand, the complement: TRA2B is on the minus strand). VCF-style: chr3-185925628-T-C. GRCh37 (hg19) VCF-style: chr3-185643416-T-C.
Other names: c.-130-2A>G (NM_001243879.2).
Identifiers: ClinVar variation 4291967 (VCV004291967.1).